The following is an entry in ClinVar:

ClinVar aggregate classification (germline): Pathogenic (1 of 4 stars; one submission).

Submission:

GeneDx
Classification: Pathogenic. Last evaluated: 2024-04-19. Review status: criteria provided, single submitter. Criteria: GeneDx Variant Classification Process June 2021. Collection method: clinical testing. Allele origin: germline. Affected: yes.
Comment: Previously reported as a somatic variant in colon adenocarcinoma, but has not been reported in the germline to our knowledge in the published literature (PMID: 28188185); Not observed at significant frequency in large population cohorts (gnomAD); The majority of missense variants in this gene are considered pathogenic (HGMD); In silico analysis supports that this missense variant has a deleterious effect on protein structure/function; This variant is associated with the following publications: (PMID: 28188185)

NM_004985.5(KRAS):c.346A>C (p.Asn116His)

Gene: KRAS (KRAS proto-oncogene, GTPase; minus strand). Cytogenetic location: 12p12.1.
Variant type: single nucleotide variant.
Coding change: c.346A>C on transcript NM_004985.5 (MANE Select); coding-DNA position 346, A replaced by C.
Protein change: p.Asn116His; replaces asparagine 116 with histidine.
Molecular consequence: missense variant.
Genome position (GRCh38, 1-based): chr12:25,225,718, T>G on the plus strand (A>C on the coding strand, the complement: KRAS is on the minus strand). VCF-style: chr12-25225718-T-G. GRCh37 (hg19) VCF-style: chr12-25378652-T-G.
Other names: c.346A>C, p.Asn116His (NM_001369786.1, NM_001369787.1, NM_033360.4); short protein forms N116H.
Identifiers: ClinVar variation 1219824 (VCV001219824.4), dbSNP rs2141506264, ClinGen allele CA384151481.